The following is an entry in ClinVar:

ClinVar aggregate classification (germline): Uncertain significance. Review status: criteria provided, multiple submitters, no conflicts (2 of 4 stars). 2 submissions from 2 submitters: Uncertain significance (2). Last evaluated 2024-04-19.

Conditions:
Inborn genetic diseases. Identifiers: MedGen C0950123, MeSH D030342.
Hereditary spastic paraplegia 47. Also called: adaptor protein 4 (AP-4) deficiency syndrome; CEREBRAL PALSY, SPASTIC QUADRIPLEGIC, 5; Spastic paraplegia 47, autosomal recessive. Identifiers: Orphanet 280763, MedGen C3279738, MONDO:0013551, OMIM 614066.

Allele frequency attached by ClinVar (database versions not stated): TOPMed below 0.00001; ExAC 0.00002; gnomAD 0.00002.

Submissions (2):

Ambry Genetics
Classification: Uncertain significance for Inborn genetic diseases. Last evaluated: 2024-04-19. Review status: criteria provided, single submitter. Criteria: Ambry Variant Classification Scheme 2023. Collection method: clinical testing. Allele origin: germline.

Labcorp Genetics (formerly Invitae), Labcorp
Classification: Uncertain significance for Hereditary spastic paraplegia 47. Last evaluated: 2022-01-11. Review status: criteria provided, single submitter. Criteria: Invitae Variant Classification Sherloc (09022015). Collection method: clinical testing. Allele origin: germline.
Comment: In summary, the available evidence is currently insufficient to determine the role of this variant in disease. Therefore, it has been classified as a Variant of Uncertain Significance. Algorithms developed to predict the effect of missense changes on protein structure and function (SIFT, PolyPhen-2, Align-GVGD) all suggest that this variant is likely to be tolerated. This variant has not been reported in the literature in individuals affected with AP4B1-related conditions. This variant is present in population databases (rs368070166, gnomAD 0.01%). This sequence change replaces proline, which is neutral and non-polar, with alanine, which is neutral and non-polar, at codon 647 of the AP4B1 protein (p.Pro647Ala).

NM_001253852.3(AP4B1):c.1939C>G (p.Pro647Ala)

Genes: AP4B1 (adaptor related protein complex 4 subunit beta 1; minus strand), AP4B1-AS1 (AP4B1 antisense RNA 1; plus strand). Cytogenetic location: 1p13.2.
Variant type: single nucleotide variant.
Coding change: c.1939C>G on transcript NM_001253852.3 (MANE Select); coding-DNA position 1939, C replaced by G.
Protein change: p.Pro647Ala; replaces proline 647 with alanine.
Molecular consequence: missense variant.
Genome position (GRCh38, 1-based): chr1:113,895,346, G>C on the plus strand (C>G on the coding strand, the complement: AP4B1 is on the minus strand). VCF-style: chr1-113895346-G-C. GRCh37 (hg19) VCF-style: chr1-114437968-G-C.
Other names: c.1939C>G (NM_006594.2); c.1642C>G, p.Pro548Ala (NM_001253853.3); c.1435C>G, p.Pro479Ala (NM_001308312.2); c.1939C>G, p.Pro647Ala (NM_006594.5); short protein forms P479A, P647A, P548A.
Identifiers: ClinVar variation 2086838 (VCV002086838.5), dbSNP rs368070166, ClinGen allele CA1015669.
Genomic context (GRCh38, chr1:113,895,346, plus strand): 5'-GGATGTTCACTACTTGAAGAGCCATCTGGAGGGTGTCAGGATGGAATTCTCCCCGCCAAG[G>C]CAACACTTGCTGATGAGCAACTTTAAGGCTAAGCCAAGTTTTCTCAAAATAATCAGCAGT-3'
Protein context (NP_001240781.1, residues 637-657): SLKVAHQQVL[Pro647Ala]WRGEFHPDTL